The following is an entry in ClinVar:

NM_052813.5(CARD9):c.75C>G (p.Ile25Met)

Gene: CARD9 (caspase recruitment domain family member 9; minus strand). Cytogenetic location: 9q34.3.
Variant type: single nucleotide variant.
Coding change: c.75C>G on transcript NM_052813.5 (MANE Select); coding-DNA position 75, C replaced by G.
Protein change: p.Ile25Met; replaces isoleucine 25 with methionine.
Molecular consequence: missense variant.
Genome position (GRCh38, 1-based): chr9:136,372,004, G>C on the plus strand (C>G on the coding strand, the complement: CARD9 is on the minus strand). VCF-style: chr9-136372004-G-C. GRCh37 (hg19) VCF-style: chr9-139266456-G-C.
Other names: c.75C>G, p.Ile25Met (NM_052814.4); short protein forms I25M.
Identifiers: ClinVar variation 1487915 (VCV001487915.6), dbSNP rs139436668, ClinGen allele CA375546462.

ClinVar aggregate classification (germline): Uncertain significance (1 of 4 stars; one submission).

Conditions:
Predisposition to invasive fungal disease due to CARD9 deficiency (IMD103). Also called: CARD9 IMMUNODEFICIENCY; IMMUNODEFICIENCY 103, SUSCEPTIBILITY TO FUNGAL INFECTIONS; Candidiasis, familial, 2, autosomal recessive. Identifiers: Orphanet 457088, MedGen C1859353, MONDO:0008905, OMIM 212050.

Submission:

Labcorp Genetics (formerly Invitae), Labcorp
Classification: Uncertain significance for Predisposition to invasive fungal disease due to CARD9 deficiency. Last evaluated: 2022-07-06. Review status: criteria provided, single submitter. Criteria: Invitae Variant Classification Sherloc (09022015). Collection method: clinical testing. Allele origin: germline.
Comment: This variant is not present in population databases (gnomAD no frequency). Algorithms developed to predict the effect of missense changes on protein structure and function are either unavailable or do not agree on the potential impact of this missense change (SIFT: "Deleterious"; PolyPhen-2: "Probably Damaging"; Align-GVGD: "Class C0"). ClinVar contains an entry for this variant (Variation ID: 1487915). This variant has not been reported in the literature in individuals affected with CARD9-related conditions. This sequence change replaces isoleucine, which is neutral and non-polar, with methionine, which is neutral and non-polar, at codon 25 of the CARD9 protein (p.Ile25Met). In summary, the available evidence is currently insufficient to determine the role of this variant in disease. Therefore, it has been classified as a Variant of Uncertain Significance.